The following is an entry in ClinVar:

ClinVar aggregate classification (germline): Conflicting classifications of pathogenicity. Review status: criteria provided, conflicting classifications (1 of 4 stars). 3 submissions from 3 submitters: Uncertain significance (1); Likely benign (2). Last evaluated 2026-01-24.

Allele frequency attached by ClinVar (database versions not stated): gnomAD 0.00001.
gnomAD v4.1: 10 of 1,613,808 alleles (0.00062%); highest among the groups gnomAD compares: Non-Finnish European, 0.00085%; no homozygotes.

Submissions (3):

Labcorp Genetics (formerly Invitae), Labcorp
Classification: Uncertain significance. Last evaluated: 2026-01-24. Review status: criteria provided, single submitter. Criteria: Invitae Variant Classification Sherloc (09022015). Collection method: clinical testing. Allele origin: germline.
Comment: This sequence change replaces phenylalanine, which is neutral and non-polar, with leucine, which is neutral and non-polar, at codon 370 of the RAI1 protein (p.Phe370Leu). This variant is present in population databases (rs754037858, gnomAD 0.003%). This variant has not been reported in the literature in individuals affected with RAI1-related conditions. ClinVar contains an entry for this variant (Variation ID: 211998). Invitae Evidence Modeling of protein sequence and biophysical properties (such as structural, functional, and spatial information, amino acid conservation, physicochemical variation, residue mobility, and thermodynamic stability) indicates that this missense variant is not expected to disrupt RAI1 protein function with a negative predictive value of 80%. In summary, the available evidence is currently insufficient to determine the role of this variant in disease. Therefore, it has been classified as a Variant of Uncertain Significance.

Blueprint Genetics
Classification: Likely benign. Last evaluated: 2021-12-23. Review status: criteria provided, single submitter. Criteria: ACMG Guidelines, 2015. Collection method: clinical testing. Allele origin: germline.

Genetic Services Laboratory, University of Chicago
Classification: Likely benign. Last evaluated: 2015-07-01. Review status: criteria provided, single submitter. Criteria: ACMG Guidelines, 2015. Collection method: clinical testing. Allele origin: germline.

NM_030665.4(RAI1):c.1110T>G (p.Phe370Leu)

Gene: RAI1 (retinoic acid induced 1; plus strand). Cytogenetic location: 17p11.2.
Variant type: single nucleotide variant.
Coding change: c.1110T>G on transcript NM_030665.4 (MANE Select); coding-DNA position 1110, T replaced by G.
Protein change: p.Phe370Leu; replaces phenylalanine 370 with leucine.
Molecular consequence: missense variant.
Genome position (GRCh38, 1-based): chr17:17,794,058, T>G. VCF-style: chr17-17794058-T-G. GRCh37 (hg19) VCF-style: chr17-17697372-T-G.
Other names: short protein forms F370L.
Identifiers: ClinVar variation 211998 (VCV000211998.14), dbSNP rs754037858, ClinGen allele CA205615.